The following is an entry in ClinVar:

ClinVar aggregate classification (germline): Uncertain significance. Review status: criteria provided, multiple submitters, no conflicts (2 of 4 stars). 2 submissions from 2 submitters: Uncertain significance (2). Last evaluated 2025-08-25.

Conditions:
Inborn genetic diseases. Identifiers: MedGen C0950123, MeSH D030342.

gnomAD v4.1: 21 of 1,607,598 alleles (0.0013%); highest among the groups gnomAD compares: African/African-American, 0.024%; no homozygotes.

Submissions (2):

Ambry Genetics
Classification: Uncertain significance for Inborn genetic diseases. Last evaluated: 2025-08-25. Review status: criteria provided, single submitter. Criteria: Ambry Variant Classification Scheme 2023. Collection method: clinical testing. Allele origin: germline.

Labcorp Genetics (formerly Invitae), Labcorp
Classification: Uncertain significance. Last evaluated: 2024-07-23. Review status: criteria provided, single submitter. Criteria: Invitae Variant Classification Sherloc (09022015). Collection method: clinical testing. Allele origin: germline.
Comment: This sequence change replaces alanine, which is neutral and non-polar, with serine, which is neutral and polar, at codon 295 of the FLI1 protein (p.Ala295Ser). The frequency data for this variant in the population databases is considered unreliable, as metrics indicate poor data quality at this position in the gnomAD database. This variant has not been reported in the literature in individuals affected with FLI1-related conditions. Advanced modeling of protein sequence and biophysical properties (such as structural, functional, and spatial information, amino acid conservation, physicochemical variation, residue mobility, and thermodynamic stability) performed at Invitae indicates that this missense variant is not expected to disrupt FLI1 protein function with a negative predictive value of 80%. In summary, the available evidence is currently insufficient to determine the role of this variant in disease. Therefore, it has been classified as a Variant of Uncertain Significance.

NM_002017.5(FLI1):c.883G>T (p.Ala295Ser)

Gene: FLI1 (Fli-1 proto-oncogene, ETS transcription factor; plus strand). Cytogenetic location: 11q24.3.
Variant type: single nucleotide variant.
Coding change: c.883G>T on transcript NM_002017.5 (MANE Select); coding-DNA position 883, G replaced by T.
Protein change: p.Ala295Ser; replaces alanine 295 with serine.
Molecular consequence: missense variant.
Genome position (GRCh38, 1-based): chr11:128,810,512, G>T. VCF-style: chr11-128810512-G-T. GRCh37 (hg19) VCF-style: chr11-128680407-G-T.
Other names: c.883G>T (NM_002017.3); c.784G>T, p.Ala262Ser (NM_001167681.3); c.685G>T, p.Ala229Ser (NM_001271010.2); c.304G>T, p.Ala102Ser (NM_001271012.2); short protein forms A102S, A262S, A295S, A229S.
Identifiers: ClinVar variation 3697611 (VCV003697611.3).